The following is an entry in ClinVar:

NM_017780.4(CHD7):c.3226A>G (p.Lys1076Glu)

Gene: CHD7 (chromodomain helicase DNA binding protein 7; plus strand). Cytogenetic location: 8q12.2.
Variant type: single nucleotide variant.
Coding change: c.3226A>G on transcript NM_017780.4 (MANE Select); coding-DNA position 3226, A replaced by G.
Protein change: p.Lys1076Glu; replaces lysine 1076 with glutamic acid.
Molecular consequence: missense variant. On other transcripts: intron variant (1).
Genome position (GRCh38, 1-based): chr8:60,823,864, A>G. VCF-style: chr8-60823864-A-G. GRCh37 (hg19) VCF-style: chr8-61736423-A-G.
Other names: c.1717-38365A>G (NM_001316690.1); short protein forms K1076E.
Identifiers: ClinVar variation 916496 (VCV000916496.48), dbSNP rs1804153455, ClinGen allele CA371311449.

ClinVar aggregate classification (germline): Likely pathogenic. Review status: criteria provided, multiple submitters, no conflicts (2 of 4 stars). 2 submissions from 2 submitters: Likely pathogenic (2). Last evaluated 2020-04-08.

Conditions:
CHARGE syndrome (CHARGE). Also called: CHARGE ASSOCIATION--COLOBOMA, HEART ANOMALY, CHOANAL ATRESIA, RETARDATION, GENITAL AND EAR ANOMALIES; Coloboma, heart anomaly, choanal atresia, retardation, genital and ear anomalies; CHARGE association; Hall-Hittner syndrome; Hittner Hirsch Kreh syndrome. Identifiers: Orphanet 138, MedGen C0265354, MONDO:0008965.

Submissions (2):

Labcorp Genetics (formerly Invitae), Labcorp
Classification: Likely pathogenic for CHARGE syndrome. Last evaluated: 2020-04-08. Review status: criteria provided, single submitter. Criteria: Invitae Variant Classification Sherloc (09022015). Collection method: clinical testing. Allele origin: germline.
Comment: Algorithms developed to predict the effect of missense changes on protein structure and function (SIFT, PolyPhen-2, Align-GVGD) all suggest that this variant is likely to be disruptive, but these predictions have not been confirmed by published functional studies and their clinical significance is uncertain. In summary, the currently available evidence indicates that the variant is pathogenic, but additional data are needed to prove that conclusively. Therefore, this variant has been classified as Likely Pathogenic. This variant has been observed in individual(s) with clinical features of Kallmann syndrome (Invitae). In at least one individual the variant was observed to be de novo. This variant is not present in population databases (ExAC no frequency). This sequence change replaces lysine with glutamic acid at codon 1076 of the CHD7 protein (p.Lys1076Glu). The lysine residue is highly conserved and there is a small physicochemical difference between lysine and glutamic acid.

CeGaT Center for Human Genetics Tuebingen
Classification: Likely pathogenic. Last evaluated: 2020-02-01. Review status: criteria provided, single submitter. Criteria: CeGaT Center For Human Genetics Tuebingen Variant Classification Criteria Version 2. Collection method: clinical testing. Allele origin: germline. Affected: yes. Observed: 1 variant allele.